The following is an entry in ClinVar:

ClinVar aggregate classification (germline): Uncertain significance (1 of 4 stars; one submission).

Conditions:
Ehlers-Danlos syndrome, type 4 (EDSVASC). Also called: Ehlers-Danlos syndrome vascular type; Ehlers Danlos syndrome, ecchymotic type; Ehlers Danlos syndrome, arterial type; Ehlers Danlos syndrome, Sack-Barabas type; Ehlers-Danlos Syndrome Type IV. Identifiers: Orphanet 286, MedGen C0268338, MONDO:0017314, OMIM 130050.

Allele frequency attached by ClinVar (database versions not stated): gnomAD exomes below 0.00001.
gnomAD v4.1: 1 of 1,614,144 alleles (0.000062%); highest among the groups gnomAD compares: Non-Finnish European, 0.000085%; no homozygotes.

Submission:

Labcorp Genetics (formerly Invitae), Labcorp
Classification: Uncertain significance for Ehlers-Danlos syndrome, type 4. Last evaluated: 2020-03-14. Review status: criteria provided, single submitter. Criteria: Invitae Variant Classification Sherloc (09022015). Collection method: clinical testing. Allele origin: germline.
Comment: In summary, the available evidence is currently insufficient to determine the role of this variant in disease. Therefore, it has been classified as a Variant of Uncertain Significance. This sequence change affects codon 1031 of the COL3A1 mRNA. It is a 'silent' change, meaning that it does not change the encoded amino acid sequence of the COL3A1 protein. This variant also falls at the last nucleotide of exon 42 of the COL3A1 coding sequence, which is part of the consensus splice site for this exon. This variant is not present in population databases (ExAC no frequency). This variant has not been reported in the literature in individuals with COL3A1-related conditions. Nucleotide substitutions within the consensus splice site are a relatively common cause of aberrant splicing (PMID: 17576681, 9536098). Algorithms developed to predict the effect of sequence changes on RNA splicing suggest that this variant may disrupt the consensus splice site, but this prediction has not been confirmed by published transcriptional studies.

Literature cited by the submitters: PubMed 17576681; PubMed 9536098.

NM_000090.4(COL3A1):c.3093G>A (p.Lys1031=)

Gene: COL3A1 (collagen type III alpha 1 chain; plus strand). Cytogenetic location: 2q32.2.
Variant type: single nucleotide variant.
Coding change: c.3093G>A on transcript NM_000090.4 (MANE Select); coding-DNA position 3093, G replaced by A.
Protein change: p.Lys1031=; no amino-acid change (lysine 1031 retained).
Molecular consequence: synonymous variant.
Genome position (GRCh38, 1-based): chr2:189,006,259, G>A. VCF-style: chr2-189006259-G-A. GRCh37 (hg19) VCF-style: chr2-189870985-G-A.
Identifiers: ClinVar variation 1001807 (VCV001001807.6), dbSNP rs1688583589, ClinGen allele CA430312754.